The following is an entry in ClinVar:

ClinVar aggregate classification (germline): Uncertain significance. Review status: criteria provided, multiple submitters, no conflicts (2 of 4 stars). 2 submissions from 2 submitters: Uncertain significance (2). Last evaluated 2025-11-13.

Conditions:
Inborn genetic diseases. Identifiers: MedGen C0950123, MeSH D030342.

Allele frequency attached by ClinVar (database versions not stated): gnomAD 0.00001; TOPMed 0.00001.

Submissions (2):

Ambry Genetics
Classification: Uncertain significance for Inborn genetic diseases. Last evaluated: 2025-11-13. Review status: criteria provided, single submitter. Criteria: Ambry Variant Classification Scheme 2023. Collection method: clinical testing. Allele origin: germline.

Labcorp Genetics (formerly Invitae), Labcorp
Classification: Uncertain significance. Last evaluated: 2022-10-18. Review status: criteria provided, single submitter. Criteria: Invitae Variant Classification Sherloc (09022015). Collection method: clinical testing. Allele origin: germline.
Comment: This sequence change replaces proline, which is neutral and non-polar, with serine, which is neutral and polar, at codon 55 of the ASNS protein (p.Pro55Ser). The frequency data for this variant in the population databases is considered unreliable, as metrics indicate poor data quality at this position in the gnomAD database. This variant has not been reported in the literature in individuals affected with ASNS-related conditions. Advanced modeling of protein sequence and biophysical properties (such as structural, functional, and spatial information, amino acid conservation, physicochemical variation, residue mobility, and thermodynamic stability) performed at Invitae indicates that this missense variant is not expected to disrupt ASNS protein function. In summary, the available evidence is currently insufficient to determine the role of this variant in disease. Therefore, it has been classified as a Variant of Uncertain Significance.

NM_001673.5(ASNS):c.163C>T (p.Pro55Ser)

Genes: ASNS (asparagine synthetase (glutamine-hydrolyzing); minus strand), CZ1P-ASNS (CZ1P-ASNS readthrough; minus strand). Cytogenetic location: 7q21.3.
Variant type: single nucleotide variant.
Coding change: c.163C>T on transcript NM_001673.5 (MANE Select); coding-DNA position 163, C replaced by T.
Protein change: p.Pro55Ser; replaces proline 55 with serine.
Molecular consequence: missense variant. On other transcripts: non-coding transcript variant (1), intron variant (2).
Genome position (GRCh38, 1-based): chr7:97,868,994, G>A on the plus strand (C>T on the coding strand, the complement: ASNS is on the minus strand). VCF-style: chr7-97868994-G-A. GRCh37 (hg19) VCF-style: chr7-97498306-G-A.
Other names: c.100C>T, p.Pro34Ser (NM_001178075.2); c.163C>T, p.Pro55Ser (NM_001352496.2, NM_133436.3, NM_183356.4); c.-1+3357C>T (NM_001178076.2); c.-1+3047C>T (NM_001178077.1); short protein forms P34S, P55S.
Identifiers: ClinVar variation 1897423 (VCV001897423.3), dbSNP rs1417832978, ClinGen allele CA368273966.
Genomic context (GRCh38, chr7:97,868,994, plus strand): 5'-TGTAACAGAGCCACAAATACGGATATTTCTTCACTCGAATTGGCTGCATTCCAAACAGCG[G>A]GTCAACTACCGCCAACCGGTGAAATCCAAAGCAGCAGTTGGTGTATCCATTGACATTCTC-3'
Protein context (NP_001664.3, residues 45-65): FGFHRLAVVD[Pro55Ser]LFGMQPIRVK